The following is an entry in ClinVar:

ClinVar aggregate classification (germline): Uncertain significance. Review status: criteria provided, multiple submitters, no conflicts (2 of 4 stars). 2 submissions from 2 submitters: Uncertain significance (2). Last evaluated 2026-01-12.

Conditions:
Cardiovascular phenotype. Identifiers: MedGen CN230736.
Primary dilated cardiomyopathy (DCM). Also called: Dilated Cardiomyopathy. Identifiers: Orphanet 217604, MedGen C0007193, MeSH D002311, MONDO:0005021, HP:0001644. Inheritance: Various modes of inheritance.

Allele frequency attached by ClinVar (database versions not stated): gnomAD 0.00001; ExAC 0.00005.
gnomAD v4.1: 25 of 1,562,590 alleles (0.0016%); highest among the groups gnomAD compares: African/African-American, 0.0041%; no homozygotes.

Submissions (2):

Labcorp Genetics (formerly Invitae), Labcorp
Classification: Uncertain significance for Primary dilated cardiomyopathy. Last evaluated: 2026-01-12. Review status: criteria provided, single submitter. Criteria: Invitae Variant Classification Sherloc (09022015). Collection method: clinical testing. Allele origin: germline.
Comment: This sequence change replaces arginine, which is basic and polar, with histidine, which is basic and polar, at codon 249 of the TXNRD2 protein (p.Arg249His). The frequency data for this variant in the population databases is considered unreliable, as metrics indicate poor data quality at this position in the gnomAD database. This variant has not been reported in the literature in individuals affected with TXNRD2-related conditions. ClinVar contains an entry for this variant (Variation ID: 642745). Invitae Evidence Modeling of protein sequence and biophysical properties (such as structural, functional, and spatial information, amino acid conservation, physicochemical variation, residue mobility, and thermodynamic stability) indicates that this missense variant is expected to disrupt TXNRD2 protein function with a positive predictive value of 80%. In summary, the available evidence is currently insufficient to determine the role of this variant in disease. Therefore, it has been classified as a Variant of Uncertain Significance.

Ambry Genetics
Classification: Uncertain significance for Cardiovascular phenotype. Last evaluated: 2024-12-09. Review status: criteria provided, single submitter. Criteria: Ambry Variant Classification Scheme 2023. Collection method: clinical testing. Allele origin: germline.
Comment: The p.R249H variant (also known as c.746G>A), located in coding exon 10 of the TXNRD2 gene, results from a G to A substitution at nucleotide position 746. The arginine at codon 249 is replaced by histidine, an amino acid with highly similar properties. This amino acid position is conserved. In addition, this alteration is predicted to be deleterious by in silico analysis. Based on the available evidence, the clinical significance of this variant remains unclear.

NM_006440.5(TXNRD2):c.746G>A (p.Arg249His)

Gene: TXNRD2 (thioredoxin reductase 2; minus strand). Cytogenetic location: 22q11.21.
Variant type: single nucleotide variant.
Coding change: c.746G>A on transcript NM_006440.5 (MANE Select); coding-DNA position 746, G replaced by A.
Protein change: p.Arg249His; replaces arginine 249 with histidine.
Molecular consequence: missense variant. On other transcripts: non-coding transcript variant (1).
Genome position (GRCh38, 1-based): chr22:19,898,067, C>T on the plus strand (G>A on the coding strand, the complement: TXNRD2 is on the minus strand). VCF-style: chr22-19898067-C-T. GRCh37 (hg19) VCF-style: chr22-19885590-C-T.
Other names: c.746G>A, p.Arg249His (NM_001282512.3); c.743G>A, p.Arg248His (NM_001352300.2); c.656G>A, p.Arg219His (NM_001352301.2); c.458G>A, p.Arg153His (NM_001352302.2); c.650G>A, p.Arg217His (NM_001352303.2); c.746G>A (NM_006440.3); short protein forms R153H, R219H, R217H, R248H, R249H.
Identifiers: ClinVar variation 642745 (VCV000642745.8), dbSNP rs760799626, ClinGen allele CA10104001.